The following is an entry in ClinVar:

NM_000548.5(TSC2):c.4410dup (p.Arg1471fs)

Gene: TSC2 (TSC complex subunit 2; plus strand). Cytogenetic location: 16p13.3.
Variant type: Duplication.
Coding change: c.4410dup on transcript NM_000548.5 (MANE Select); coding-DNA position 4410, one base duplicated (C; older notation c.4410dupC).
Protein change: p.Arg1471fs; shifts the reading frame from arginine 1471.
Molecular consequence: frameshift variant.
Genome position (GRCh38, 1-based): chr16:2,084,632, C duplicated. VCF-style (leftmost placement, unchanged base first): chr16-2084631-G-GC. GRCh37 (hg19) VCF-style: chr16-2134632-G-GC.
Other names: c.4209dup, p.Arg1404fs (NM_001077183.3); c.4341dup, p.Arg1448fs (NM_001114382.3); c.4101dup, p.Arg1368fs (NM_001318827.2); c.4065dup, p.Arg1356fs (NM_001318829.2); c.3678dup, p.Arg1227fs (NM_001318831.2); c.4242dup, p.Arg1415fs (NM_001318832.2); c.4212dup, p.Arg1405fs (NM_001363528.2); c.4278dup, p.Arg1427fs (NM_001370404.1); and 26 more; short protein forms R1227fs, R1356fs, R1368fs, R1404fs, R1405fs, R1415fs, R1427fs, R1428fs.
Identifiers: ClinVar variation 2444202 (VCV002444202.1), dbSNP rs2544285159, ClinGen allele CA2580090977.

ClinVar aggregate classification (germline): Likely pathogenic (1 of 4 stars; one submission).

Conditions:
Tuberous sclerosis 2 (TSC2). Identifiers: Orphanet 805, MedGen C1860707, MONDO:0013199, OMIM 613254.

Submission:

3billion
Classification: Likely pathogenic for Tuberous sclerosis 2. Last evaluated: 2023-02-23. Review status: criteria provided, single submitter. Criteria: ACMG Guidelines, 2015. Collection method: clinical testing. Allele origin: unknown. Affected: yes.
Comment: The variant is not observed in the gnomAD v2.1.1 dataset. This variant was predicted to result in a loss or disruption of normal protein function through nonsense-mediated decay (NMD) or protein truncation. Multiple pathogenic variants are reported downstream of the variant. Therefore, this variant is classified as Likely pathogenic according to the recommendation of ACMG/AMP guideline.